The following is an entry in ClinVar:

NM_001369.3(DNAH5):c.4636C>T (p.Gln1546Ter)

Genes: DNAH5 (dynein axonemal heavy chain 5; minus strand), DNAH5-AS1 (DNAH5 antisense RNA 1; plus strand). Cytogenetic location: 5p15.2.
Variant type: single nucleotide variant.
Coding change: c.4636C>T on transcript NM_001369.3 (MANE Select); coding-DNA position 4636, C replaced by T.
Protein change: p.Gln1546Ter; replaces glutamine 1546 with a stop codon.
Molecular consequence: nonsense.
Genome position (GRCh38, 1-based): chr5:13,862,708, G>A on the plus strand (C>T on the coding strand, the complement: DNAH5 is on the minus strand). VCF-style: chr5-13862708-G-A. GRCh37 (hg19) VCF-style: chr5-13862817-G-A.
Other names: short protein forms Q1546*.
Identifiers: ClinVar variation 1392045 (VCV001392045.10), dbSNP rs1344601147, ClinGen allele CA359222357.

ClinVar aggregate classification (germline): Pathogenic/Likely pathogenic. Review status: criteria provided, multiple submitters, no conflicts (2 of 4 stars). 3 submissions from 3 submitters: Pathogenic (2); Likely pathogenic (1). Last evaluated 2024-05-16.

Conditions:
Primary ciliary dyskinesia. Also called: Ciliary dyskinesia. Identifiers: Orphanet 244, MedGen C0008780, MONDO:0016575, HP:0012265.

Submissions (3):

Natera, Inc.
Classification: Likely pathogenic for Primary ciliary dyskinesia. Last evaluated: 2024-05-16. Review status: criteria provided, single submitter. Criteria: Natera Variant Classification Schema (03/2026). Collection method: clinical testing. Allele origin: germline.
Comment: The c.4636C>T variant in DNAH5 is a nonsense variant predicted to introduce a stop codon at amino acid 1546. This variant is expected to result in nonsense mediated decay, truncation, or a dysfunctional protein product. This variant is rare in the general population with a frequency below the threshold expected for the associated phenotype(s). Given the available evidence, this variant is classified as Likely Pathogenic.

Labcorp Genetics (formerly Invitae), Labcorp
Classification: Pathogenic for Primary ciliary dyskinesia. Last evaluated: 2024-01-25. Review status: criteria provided, single submitter. Criteria: Invitae Variant Classification Sherloc (09022015). Collection method: clinical testing. Allele origin: germline.
Comment: This sequence change creates a premature translational stop signal (p.Gln1546*) in the DNAH5 gene. It is expected to result in an absent or disrupted protein product. Loss-of-function variants in DNAH5 are known to be pathogenic (PMID: 11788826, 16627867). This variant is not present in population databases (gnomAD no frequency). This variant has not been reported in the literature in individuals affected with DNAH5-related conditions. ClinVar contains an entry for this variant (Variation ID: 1392045). For these reasons, this variant has been classified as Pathogenic.

Ambry Genetics
Classification: Pathogenic for Primary ciliary dyskinesia. Last evaluated: 2014-12-25. Review status: criteria provided, single submitter. Criteria: Ambry Variant Classification Scheme 2023. Collection method: clinical testing. Allele origin: germline.
Comment: The p.Q1546* variant (also known as c.4636C>T) located in coding exon 29 of the DNAH5 gene, results from a C to T substitution at nucleotide position 4636. This changes the amino acid from a glutamine to a stop codon within coding exon 29. This variant was not reported in population based cohorts in the following databases: Database of Single Nucleotide Polymorphisms (dbSNP), NHLBI Exome Sequencing Project (ESP), and 1000 Genomes Project. In the ESP, this variant was not observed in 6503 samples (13006 alleles) with coverage at this position. Since premature stop codons are typically deleterious in nature, this alteration is interpreted as a disease-causing mutation (ACMG Recommendations for Standards for Interpretation and Reporting of Sequence Variations. Revision 2007. Genet Med. 2008;10:294).

Literature cited by the submitters: PubMed 11788826 (cited by Labcorp Genetics (formerly Invitae), Labcorp); PubMed 16627867 (cited by Labcorp Genetics (formerly Invitae), Labcorp).